The following is an entry in ClinVar:

NM_015057.5(MYCBP2):c.1835G>A (p.Gly612Glu)

Gene: MYCBP2 (MYC binding protein 2; minus strand). Cytogenetic location: 13q22.3.
Variant type: single nucleotide variant.
Coding change: c.1835G>A on transcript NM_015057.5 (MANE Select); coding-DNA position 1835, G replaced by A.
Protein change: p.Gly612Glu; replaces glycine 612 with glutamic acid.
Molecular consequence: missense variant.
Genome position (GRCh38, 1-based): chr13:77,261,188, C>T on the plus strand (G>A on the coding strand, the complement: MYCBP2 is on the minus strand). VCF-style: chr13-77261188-C-T. GRCh37 (hg19) VCF-style: chr13-77835323-C-T.
Other names: short protein forms G612E.
Identifiers: ClinVar variation 1321296 (VCV001321296.1), dbSNP rs2154337935, ClinGen allele CA388409863.

ClinVar aggregate classification (germline): Uncertain significance (1 of 4 stars; one submission).

Conditions:
Global developmental delay (DD). Also called: Cognitive delay. Identifiers: MedGen C0557874, HP:0001263. Disease mechanism: loss of function.

Submission:

3billion
Classification: Uncertain significance for Global developmental delay. Last evaluated: 2021-10-25. Review status: criteria provided, single submitter. Criteria: ACMG Guidelines, 2015. Collection method: clinical testing. Allele origin: unknown. Affected: yes. Observed: 1 heterozygote.
Comment: This variant is not observed in the gnomAD v2.1.1 dataset (PM2). In silico tool predictions suggest damaging effect of the variant on gene or gene product (REVEL: 0.842, PP3). Therefore, this variant is classified as uncertain significance according to the recommendation of ACMG/AMP guideline.